The following is an entry in ClinVar:

NM_025114.4(CEP290):c.5776C>A (p.Arg1926=)

Gene: CEP290 (centrosomal protein 290; minus strand). Cytogenetic location: 12q21.32.
Variant type: single nucleotide variant.
Coding change: c.5776C>A on transcript NM_025114.4 (MANE Select); coding-DNA position 5776, C replaced by A.
Protein change: p.Arg1926=; no amino-acid change (arginine 1926 retained).
Molecular consequence: synonymous variant.
Genome position (GRCh38, 1-based): chr12:88,071,860, G>T on the plus strand (C>A on the coding strand, the complement: CEP290 is on the minus strand). VCF-style: chr12-88071860-G-T. GRCh37 (hg19) VCF-style: chr12-88465637-G-T.
Identifiers: ClinVar variation 705069 (VCV000705069.14), dbSNP rs561598805, ClinGen allele CA6711645.
Genomic context (GRCh38, chr12:88,071,860, plus strand): 5'-AAGTATTCAACTGCTTTGTTAAAGTAAAGACTTCCCCCTCTTTCTCTTTTAACTTGTTTC[G>T]AATTCCTTCTATTTTGGCTTGCCACTTTTTACCTTCTTCCCACCTAATTAATTCTTCTTT-3'
Protein context (NP_079390.3, residues 1916-1936): KKWQAKIEGI[Arg1926=]NKLKEKEGEV

ClinVar aggregate classification (germline): Likely benign. Review status: criteria provided, single submitter (1 of 4 stars). 3 submissions from 3 submitters: Likely benign (1). 2 of the submissions do not count toward it. Last evaluated 2025-07-29.

Conditions:
CEP290-related disorder. Also called: CEP290-related condition; CEP290-related disorders. Identifiers: MedGen CN239314.
Joubert syndrome. Also called: CEREBELLOPARENCHYMAL DISORDER IV; JOUBERT-BOLTSHAUSER SYNDROME; Familial aplasia of the vermis. Identifiers: Orphanet 475, MedGen C5979921, MONDO:0018772.
Meckel-Gruber syndrome. Also called: Dysencephalia splachnocystica; DYSENCEPHALIA SPLANCHNOCYSTICA; GRUBER SYNDROME. Identifiers: Orphanet 564, MedGen C0265215, MONDO:0018921.
Nephronophthisis. Also called: Juvenile Nephronophthisis. Identifiers: Orphanet 655, MedGen C0687120, MONDO:0019005, HP:0000090.
Leber congenital amaurosis (LCA). Also called: Leber's amaurosis. Identifiers: Orphanet 65, MedGen C0339527, MeSH D057130, MONDO:0018998.

Allele frequency attached by ClinVar (database versions not stated): gnomAD 0.00003; TOPMed 0.00004.
gnomAD v4.1: 15 of 1,602,288 alleles (0.00094%); highest among the groups gnomAD compares: East Asian, 0.032%; no homozygotes.

Submissions (3):

Labcorp Genetics (formerly Invitae), Labcorp
Classification: Likely benign for Joubert syndrome; Meckel-Gruber syndrome; Nephronophthisis. Last evaluated: 2025-07-29. Review status: criteria provided, single submitter. Criteria: Invitae Variant Classification Sherloc (09022015). Collection method: clinical testing. Allele origin: germline.

PreventionGenetics, part of Exact Sciences
Classification: Likely benign for CEP290-related condition. Last evaluated: 2024-07-25. Review status: no assertion criteria provided. Collection method: clinical testing. Allele origin: germline. Not counted in ClinVar's aggregate classification.
Comment: This variant is classified as likely benign based on ACMG/AMP sequence variant interpretation guidelines (Richards et al. 2015 PMID: 25741868, with internal and published modifications).

Natera, Inc.
Classification: Uncertain significance for Leber congenital amaurosis. Last evaluated: 2020-04-17. Review status: no assertion criteria provided. Collection method: clinical testing. Allele origin: germline. Not counted in ClinVar's aggregate classification.